The following is an entry in ClinVar:

ClinVar aggregate classification (germline): Likely benign (1 of 4 stars; one submission).

Conditions:
NPHP1-related disorder. Also called: NPHP1-related disorders; NPHP1-related condition.

Submission:

PreventionGenetics, part of Exact Sciences
Classification: Likely benign for NPHP1-related condition. Last evaluated: 2024-12-14. Review status: criteria provided, single submitter. Criteria: ACMG Guidelines, 2015. Collection method: clinical testing. Allele origin: germline.
Comment: This variant is classified as likely benign based on ACMG/AMP sequence variant interpretation guidelines (Richards et al. 2015 PMID: 25741868, with internal and published modifications).

NM_001128178.3(NPHP1):c.1755A>G (p.Ser585=)

Gene: NPHP1 (nephrocystin 1; minus strand). Cytogenetic location: 2q13.
Variant type: single nucleotide variant.
Coding change: c.1755A>G on transcript NM_001128178.3 (MANE Select); coding-DNA position 1755, A replaced by G.
Protein change: p.Ser585=; no amino-acid change (serine 585 retained).
Molecular consequence: synonymous variant.
Genome position (GRCh38, 1-based): chr2:110,125,643, T>C on the plus strand (A>G on the coding strand, the complement: NPHP1 is on the minus strand). VCF-style: chr2-110125643-T-C. GRCh37 (hg19) VCF-style: chr2-110883220-T-C.
Other names: c.1923A>G, p.Ser641= (NM_000272.5); c.1566A>G, p.Ser522= (NM_001128179.3); c.1752A>G, p.Ser584= (NM_001374256.1); c.1755A>G, p.Ser585= (NM_001374257.1); c.1920A>G, p.Ser640= (NM_207181.4).
Identifiers: ClinVar variation 4983971 (VCV004983971.1).
Genomic context (GRCh38, chr2:110,125,643, plus strand): 5'-AGCAAACACCAGGTACTGCAAATATGGAGTTCAGTGTGGAGACTCATATTTTACCTTCTC[T>C]GATCTTTTTAATGTGCTTTCTTTTCCAGCCCACGAACTCTAAAGAGCAAACAGAAATATT-3'
Protein context (NP_001121650.1, residues 575-595): WAGKESTLKR[Ser585=]EKRDKEFLKS